The following is an entry in ClinVar:

NM_017721.5(CC2D1A):c.915C>T (p.Pro305=)

Gene: CC2D1A (coiled-coil and C2 domain containing 1A; plus strand). Cytogenetic location: 19p13.12.
Variant type: single nucleotide variant.
Coding change: c.915C>T on transcript NM_017721.5 (MANE Select); coding-DNA position 915, C replaced by T.
Protein change: p.Pro305=; no amino-acid change (proline 305 retained).
Molecular consequence: synonymous variant.
Genome position (GRCh38, 1-based): chr19:13,918,545, C>T. VCF-style: chr19-13918545-C-T. GRCh37 (hg19) VCF-style: chr19-14029358-C-T.
Other names: c.915C>T, p.Pro305= (NM_001411138.1).
Identifiers: ClinVar variation 1765995 (VCV001765995.27), dbSNP rs1286257848, ClinGen allele CA505788207.

ClinVar aggregate classification (germline): Likely benign. Review status: criteria provided, multiple submitters, no conflicts (2 of 4 stars). 3 submissions from 3 submitters: Likely benign (3). Last evaluated 2024-01-01.

Conditions:
Inborn genetic diseases. Identifiers: MedGen C0950123, MeSH D030342.

Allele frequency attached by ClinVar (database versions not stated): gnomAD exomes below 0.00001.
gnomAD v4.1: 6 of 1,613,826 alleles (0.00037%); highest among the groups gnomAD compares: African/African-American, 0.0013%; no homozygotes.

Submissions (3):

CeGaT Center for Human Genetics Tuebingen
Classification: Likely benign. Last evaluated: 2024-01-01. Review status: criteria provided, single submitter. Criteria: CeGaT Center For Human Genetics Tuebingen Variant Classification Criteria Version 2. Collection method: clinical testing. Allele origin: germline. Affected: yes. Observed: 1 variant allele.
Comment: CC2D1A: BP4, BP7

Labcorp Genetics (formerly Invitae), Labcorp
Classification: Likely benign. Last evaluated: 2023-12-01. Review status: criteria provided, single submitter. Criteria: Invitae Variant Classification Sherloc (09022015). Collection method: clinical testing. Allele origin: germline.

Ambry Genetics
Classification: Likely benign for Inborn genetic diseases. Last evaluated: 2018-03-13. Review status: criteria provided, single submitter. Criteria: Ambry Variant Classification Scheme 2023. Collection method: clinical testing. Allele origin: germline.